The following is an entry in ClinVar:

ClinVar aggregate classification (germline): Likely pathogenic (1 of 4 stars; one submission).

Conditions:
SF1-related neurodevelopmental disorder.

Submission:

Molecular Genetics Laboratory, Motol Hospital
Classification: Likely pathogenic for SF1-related neurodevelopmental disorder. Last evaluated: 2025-08-14. Review status: criteria provided, single submitter. Criteria: ACMG Guidelines, 2015. Collection method: clinical testing. Allele origin: germline. Affected: yes. Observed: 3 variant alleles.
Comment: Detected as familial variant in 2 siblings (females) and their mother with variable neurodevelopmental abnormality (expressive language delay, mild intellectual disability) and combined visual impairment (PP1). Not present in gnomAD (v4.1.0), dbSNP or ClinVar (PM2). Rare truncating variants affecting the SF1 gene are aasociated with newly recognized neurodevelopmental disorder (oral presentation on ESHG 2025 "Pathogenic variants in the splicing factor SF1lead to a new neurodevelopmental disorder") (PVS1). To conclude, the variant is classified as likely pathogenic (ACMG PM2, PP1, PVS1).

NM_004630.4(SF1):c.1764_1776del (p.Pro590fs)

Gene: SF1 (splicing factor 1; minus strand). Cytogenetic location: 11q13.1.
Variant type: Deletion.
Coding change: c.1764_1776del on transcript NM_004630.4 (MANE Select); coding-DNA positions 1764 to 1776, 13 bases deleted (ACCGCCTGGTTCC).
Protein change: p.Pro590fs; shifts the reading frame from proline 590.
Molecular consequence: frameshift variant. On other transcripts: intron variant (8).
Genome position (GRCh38, 1-based): chr11:64,765,962-64,765,974, GGAACCAGGCGGT deleted on the plus strand (ACCGCCTGGTTCC on the coding strand, the reverse complement: SF1 is on the minus strand); deleting any 13 consecutive bases within chr11:64,765,962-64,765,977 gives the same sequence; the c. name uses the placement nearest the transcript's 3' end. VCF-style (leftmost placement, unchanged base first): chr11-64765961-CGGAACCAGGCGGT-C. GRCh37 (hg19) VCF-style: chr11-64533433-CGGAACCAGGCGGT-C.
Other names: c.1686_1698del, p.Pro564fs (NM_001178031.3); c.1759_1771del, p.Thr587fs (NM_001346363.2, NM_001440583.1); c.2139_2151del, p.Pro715fs (NM_001378956.1, NM_001378957.1); c.1768_1780del, p.Thr590fs (NM_001440582.1); c.1690_1702del, p.Thr564fs (NM_001440584.1); c.1681_1693del, p.Thr561fs (NM_001440585.1); c.1761_1773delTCCACCGCCTGGT, p.Pro590Alafs (NM_201995.2); c.1764_1776del, p.Pro590fs (NM_201995.3); and 8 more; short protein forms P564fs, P590fs, P715fs, T561fs, T564fs, T587fs, T590fs.
Identifiers: ClinVar variation 4083510 (VCV004083510.1).